The following is an entry in ClinVar:

NM_014730.4(MLEC):c.236-2968C>T

Gene: MLEC (malectin; plus strand). Cytogenetic location: 12q24.31.
Variant type: single nucleotide variant.
Coding change: c.236-2968C>T on transcript NM_014730.4 (MANE Select); 2968 bases into the intron before coding-DNA position 236, C replaced by T.
Molecular consequence: intron variant.
Genome position (GRCh38, 1-based): chr12:120,691,123, C>T. VCF-style: chr12-120691123-C-T. GRCh37 (hg19) VCF-style: chr12-121128926-C-T.
Other names: c.236-2968C>T (NM_001303628.2); c.-15+2689C>T (NM_001303627.2).
Identifiers: ClinVar variation 1227142 (VCV001227142.3), dbSNP rs10431386, ClinGen allele CA13749079.
Genomic context (GRCh38, chr12:120,691,123, plus strand): 5'-AGCACCAAGGGGGGCTTTACAGCTGTGTTCTCATGGAGGACAGGCTTCTGCTCATTCTGG[C>T]TTTCCCACTCTTGTGGTTCCCAGTTGCAGTTTTCCAGTTAGTTTTATTACTTCCTTTTCT-3'

ClinVar aggregate classification (germline): Benign (1 of 4 stars; one submission).

Allele frequency attached by ClinVar (database versions not stated): gnomAD 0.33664 and 0.33893; TOPMed 0.34861; 1000 Genomes Project 0.36821; 1000 Genomes Project 30x 0.37274.
gnomAD v4.1: 51,617 of 152,082 alleles (34%); highest among the groups gnomAD compares: Middle Eastern, 41%; 8,963 homozygotes.

Submission:

GeneDx
Classification: Benign. Last evaluated: 2018-07-13. Review status: criteria provided, single submitter. Criteria: GeneDx Variant Classification Process June 2021. Collection method: clinical testing. Allele origin: germline. Affected: yes.
Comment: This variant is associated with the following publications: (PMID: 28972276)